The following is an entry in ClinVar:

NM_001393392.1(AKR1C2):c.327C>T (p.Asp109=)

Gene: AKR1C2 (aldo-keto reductase family 1 member C2; minus strand). Cytogenetic location: 10p15.1.
Variant type: single nucleotide variant.
Coding change: c.327C>T on transcript NM_001393392.1 (MANE Select); coding-DNA position 327, C replaced by T.
Protein change: p.Asp109=; no amino-acid change (aspartic acid 109 retained).
Molecular consequence: synonymous variant.
Genome position (GRCh38, 1-based): chr10:5,000,592, G>A on the plus strand (C>T on the coding strand, the complement: AKR1C2 is on the minus strand). VCF-style: chr10-5000592-G-A. GRCh37 (hg19) VCF-style: chr10-5042784-G-A.
Other names: c.327C>T, p.Asp109= (NM_001135241.3, NM_001321027.2, NM_001354.6 and 1 more transcripts).
Identifiers: ClinVar variation 1181756 (VCV001181756.5), dbSNP rs13945, ClinGen allele CA5390178.

ClinVar aggregate classification (germline): Benign. Review status: criteria provided, multiple submitters, no conflicts (2 of 4 stars). 3 submissions from 3 submitters: Benign (2). 1 of the submissions does not count toward it. Last evaluated 2018-07-05.

Conditions:
AKR1C2-related disorder. Also called: AKR1C2-related condition.

Allele frequency attached by ClinVar (database versions not stated): gnomAD exomes 0.07687 and 0.08160; ExAC 0.08018; 1000 Genomes Project 0.08087; gnomAD 0.08270 and 0.08271; 1000 Genomes Project 30x 0.08292; TOPMed 0.08458; ESP Exome Variant Server 0.09004.
gnomAD v4.1: 132,148 of 1,612,022 alleles (8.2%); highest among the groups gnomAD compares: Middle Eastern, 11%; 6,009 homozygotes.

Submissions (3):

GeneDx
Classification: Benign. Last evaluated: 2018-07-05. Review status: criteria provided, single submitter. Criteria: GeneDx Variant Classification Process June 2021. Collection method: clinical testing. Allele origin: germline. Affected: yes.

Breakthrough Genomics
Classification: Benign. Review status: criteria provided, single submitter. Criteria: ACMG Guidelines, 2015. Collection method: not provided. Allele origin: germline. Inheritance: Autosomal recessive inheritance. Affected: yes.

PreventionGenetics, part of Exact Sciences
Classification: Benign for AKR1C2-related condition. Last evaluated: 2019-10-21. Review status: no assertion criteria provided. Collection method: clinical testing. Allele origin: germline. Not counted in ClinVar's aggregate classification.
Comment: This variant is classified as benign based on ACMG/AMP sequence variant interpretation guidelines (Richards et al. 2015 PMID: 25741868, with internal and published modifications).